The following is an entry in ClinVar:

NM_016333.4(SRRM2):c.7495C>A (p.Pro2499Thr)

Gene: SRRM2 (serine/arginine repetitive matrix 2; plus strand). Cytogenetic location: 16p13.3.
Variant type: single nucleotide variant.
Coding change: c.7495C>A on transcript NM_016333.4 (MANE Select); coding-DNA position 7495, C replaced by A.
Protein change: p.Pro2499Thr; replaces proline 2499 with threonine.
Molecular consequence: missense variant.
Genome position (GRCh38, 1-based): chr16:2,768,023, C>A. VCF-style: chr16-2768023-C-A. GRCh37 (hg19) VCF-style: chr16-2818024-C-A.
Other names: short protein forms P2499T.
Identifiers: ClinVar variation 4688962 (VCV004688962.1).

ClinVar aggregate classification (germline): Uncertain significance (1 of 4 stars; one submission).

gnomAD v4.1: 8 of 1,614,088 alleles (0.0005%); highest among the groups gnomAD compares: Middle Eastern, 0.016%; no homozygotes.

Submission:

Women's Health and Genetics/Laboratory Corporation of America, LabCorp
Classification: Uncertain significance. Last evaluated: 2026-01-30. Review status: criteria provided, single submitter. Criteria: LabCorp Variant Classification Summary - May 2015. Collection method: clinical testing. Allele origin: germline.
Comment: Variant summary: SRRM2 c.7495C>A (p.Pro2499Thr) results in a non-conservative amino acid change in the encoded protein sequence. Algorithms developed to predict the effect of missense changes on protein structure and function are either unavailable or do not agree on the potential impact of this missense change. The variant allele was found at a frequency of 8e-06 in 251342 control chromosomes. The available data on variant occurrences in the general population are insufficient to allow any conclusion about variant significance. To our knowledge, no occurrence of c.7495C>A in individuals affected with SRRM2-related conditions and no experimental evidence demonstrating its impact on protein function have been reported. No submitters have cited clinical-significance assessments for this variant to ClinVar. Based on the evidence outlined above, the variant was classified as uncertain significance.